The following is an entry in ClinVar:

NM_170707.4(LMNA):c.372G>A (p.Glu124=)

Genes: LMNA (lamin A/C; plus strand), LOC126805877 (MED14-independent group 3 enhancer GRCh37_chr1:156099693-156100892; plus strand). Cytogenetic location: 1q22.
Variant type: single nucleotide variant.
Coding change: c.372G>A on transcript NM_170707.4 (MANE Select); coding-DNA position 372, G replaced by A.
Protein change: p.Glu124=; no amino-acid change (glutamic acid 124 retained).
Molecular consequence: synonymous variant.
Genome position (GRCh38, 1-based): chr1:156,130,632, G>A. VCF-style: chr1-156130632-G-A. GRCh37 (hg19) VCF-style: chr1-156100423-G-A.
Other names: c.372G>A (NM_170707.2); c.36G>A, p.Glu12= (NM_001257374.3); c.129G>A, p.Glu43= (NM_001282624.2); c.372G>A, p.Glu124= (NM_001282625.2, NM_001282626.2, NM_005572.4 and 1 more transcripts).
Identifiers: ClinVar variation 760013 (VCV000760013.12), dbSNP rs1572352924, ClinGen allele CA421068200.

ClinVar aggregate classification (germline): Likely benign. Review status: criteria provided, multiple submitters, no conflicts (2 of 4 stars). 4 submissions from 4 submitters: Likely benign (4). Last evaluated 2026-05-05.

Conditions:
Charcot-Marie-Tooth disease type 2. Also called: Charcot-Marie-Tooth type 2. Identifiers: Orphanet 64746, MedGen C0270914, MONDO:0018993.
LMNA-related disorder. Also called: LMNA-related disorders; LMNA-related condition; LMNA-related disease. Identifiers: MedGen CN380145.
Cardiovascular phenotype. Identifiers: MedGen CN230736.
Cardiomyopathy (CMYO). Also called: Cardiomyopathies. Identifiers: Orphanet 167848, MedGen C0878544, MONDO:0004994, HP:0001638. Inheritance: Various modes of inheritance.

Allele frequency attached by ClinVar (database versions not stated): gnomAD exomes 0.00001.
gnomAD v4.1: 7 of 1,614,060 alleles (0.00043%); highest among the groups gnomAD compares: Non-Finnish European, 0.00059%; no homozygotes.

Submissions (4):

PreventionGenetics, part of Exact Sciences
Classification: Likely benign for LMNA-related condition. Last evaluated: 2026-05-05. Review status: criteria provided, single submitter. Criteria: ACMG Guidelines, 2015. Collection method: clinical testing. Allele origin: germline.
Comment: This variant is classified as likely benign based on ACMG/AMP sequence variant interpretation guidelines (Richards et al. 2015 PMID: 25741868, with internal and published modifications).

Color Diagnostics, LLC DBA Color Health
Classification: Likely benign for Cardiomyopathy. Last evaluated: 2025-06-30. Review status: criteria provided, single submitter. Criteria: ACMG Guidelines, 2015. Collection method: clinical testing. Allele origin: germline.

Labcorp Genetics (formerly Invitae), Labcorp
Classification: Likely benign for Charcot-Marie-Tooth disease type 2. Last evaluated: 2025-03-04. Review status: criteria provided, single submitter. Criteria: Invitae Variant Classification Sherloc (09022015). Collection method: clinical testing. Allele origin: germline.

Ambry Genetics
Classification: Likely benign for Cardiovascular phenotype. Last evaluated: 2023-09-14. Review status: criteria provided, single submitter. Criteria: Ambry Variant Classification Scheme 2023. Collection method: clinical testing. Allele origin: germline.